The following is an entry in ClinVar:

ClinVar aggregate classification (germline): Pathogenic. Review status: criteria provided, multiple submitters, no conflicts (2 of 4 stars). 2 submissions from 2 submitters: Pathogenic (2). Last evaluated 2024-07-19.

Conditions:
Hereditary nonpolyposis colorectal neoplasms. Identifiers: MedGen C0009405, MeSH D003123.
Hereditary cancer-predisposing syndrome. Also called: Hereditary Cancer Syndrome; Neoplastic Syndromes, Hereditary; Tumor predisposition; Hereditary neoplastic syndrome. Identifiers: Orphanet 140162, MedGen C0027672, MeSH D009386, MONDO:0015356.

Submissions (2):

Ambry Genetics
Classification: Pathogenic for Hereditary cancer-predisposing syndrome. Last evaluated: 2024-07-19. Review status: criteria provided, single submitter. Criteria: Ambry Variant Classification Scheme 2023. Collection method: clinical testing. Allele origin: germline.
Comment: The p.Q721* pathogenic mutation (also known as c.2161C>T), located in coding exon 12 of the PMS2 gene, results from a C to T substitution at nucleotide position 2161. This changes the amino acid from a glutamine to a stop codon within coding exon 12. This variant has been reported in a cohort of 1500 HNPCC probands from Denmark and Sweden (Okkels H et al. Genet Test Mol Biomarkers, 2019 Sep;23:688-695). This variant is considered to be rare based on population cohorts in the Genome Aggregation Database (gnomAD). This alteration is expected to result in loss of function by premature protein truncation or nonsense-mediated mRNA decay. As such, this alteration is interpreted as a disease-causing mutation.

Labcorp Genetics (formerly Invitae), Labcorp
Classification: Pathogenic for Hereditary nonpolyposis colorectal neoplasms. Last evaluated: 2023-02-21. Review status: criteria provided, single submitter. Criteria: Invitae Variant Classification Sherloc (09022015). Collection method: clinical testing. Allele origin: germline.
Comment: For these reasons, this variant has been classified as Pathogenic. Algorithms developed to predict the effect of sequence changes on RNA splicing suggest that this variant may create or strengthen a splice site. This premature translational stop signal has been observed in individual(s) with clinical features of Lynch Syndrome (PMID: 31433215). The frequency data for this variant in the population databases (gnomAD) is considered unreliable due to the presence of homologous sequence, such as pseudogenes or paralogs, in the genome. This sequence change creates a premature translational stop signal (p.Gln721*) in the PMS2 gene. It is expected to result in an absent or disrupted protein product. Loss-of-function variants in PMS2 are known to be pathogenic (PMID: 21376568, 24362816).

Literature cited by the submitters: PubMed 31433215 (cited by Ambry Genetics and Labcorp Genetics (formerly Invitae), Labcorp); PubMed 21376568 (cited by Labcorp Genetics (formerly Invitae), Labcorp); PubMed 24362816 (cited by Labcorp Genetics (formerly Invitae), Labcorp).

NM_000535.7(PMS2):c.2161C>T (p.Gln721Ter)

Gene: PMS2 (PMS1 homolog 2, mismatch repair system component; minus strand). Cytogenetic location: 7p22.1.
Variant type: single nucleotide variant.
Coding change: c.2161C>T on transcript NM_000535.7 (MANE Select); coding-DNA position 2161, C replaced by T.
Protein change: p.Gln721Ter; replaces glutamine 721 with a stop codon.
Molecular consequence: nonsense. On other transcripts: non-coding transcript variant (1).
Genome position (GRCh38, 1-based): chr7:5,982,837, G>A on the plus strand (C>T on the coding strand, the complement: PMS2 is on the minus strand). VCF-style: chr7-5982837-G-A. GRCh37 (hg19) VCF-style: chr7-6022468-G-A.
Other names: c.1756C>T, p.Gln586Ter (NM_001018040.1, NM_001322003.2, NM_001322004.2 and 15 more transcripts); c.2005C>T, p.Gln669Ter (NM_001322006.2, NM_001406870.1); c.1843C>T, p.Gln615Ter (NM_001322007.2, NM_001322008.2, NM_001406876.1 and 1 more transcripts); c.1600C>T, p.Gln534Ter (NM_001322010.2, NM_001406906.1, NM_001406907.1); c.1228C>T, p.Gln410Ter (NM_001322011.2, NM_001322012.2); c.1588C>T, p.Gln530Ter (NM_001322013.2, NM_001406909.1); c.2161C>T, p.Gln721Ter (NM_001322014.2, NM_001406871.1); c.1852C>T, p.Gln618Ter (NM_001322015.2, NM_001406875.1, NM_001406877.1 and 5 more transcripts); and 13 more; short protein forms Q563*, Q586*, Q618*, Q655*, Q685*, Q729*, Q320*, Q410*.
Identifiers: ClinVar variation 2181110 (VCV002181110.5), dbSNP rs1782436364, ClinGen allele CA366737864.